The following is an entry in ClinVar:

NM_000094.4(COL7A1):c.5318G>A (p.Gly1773Asp)

Gene: COL7A1 (collagen type VII alpha 1 chain; minus strand). Cytogenetic location: 3p21.31.
Variant type: single nucleotide variant.
Coding change: c.5318G>A on transcript NM_000094.4 (MANE Select); coding-DNA position 5318, G replaced by A.
Protein change: p.Gly1773Asp; replaces glycine 1773 with aspartic acid.
Molecular consequence: missense variant.
Genome position (GRCh38, 1-based): chr3:48,579,267, C>T on the plus strand (G>A on the coding strand, the complement: COL7A1 is on the minus strand). VCF-style: chr3-48579267-C-T. GRCh37 (hg19) VCF-style: chr3-48616700-C-T.
Other names: short protein forms G1773D.
Identifiers: ClinVar variation 1676642 (VCV001676642.2), dbSNP rs2107697174, ClinGen allele CA352675977.

ClinVar aggregate classification (germline): Pathogenic/Likely pathogenic. Review status: criteria provided, multiple submitters, no conflicts (2 of 4 stars). 2 submissions from 2 submitters: Pathogenic (1); Likely pathogenic (1). Last evaluated 2022-03-14.

Conditions:
Generalized dominant dystrophic epidermolysis bullosa (DDEB). Also called: DDEB, generalized; DDEB-gen; DYSTROPHIC EPIDERMOLYSIS BULLOSA, AUTOSOMAL DOMINANT; Epidermolysis bullosa dystrophica, autosomal dominant; Dominant DEB (DDEB). Identifiers: Orphanet 231568, MedGen C0432322, MONDO:0007549, OMIM 131750.
Nonsyndromic congenital nail disorder 8. Also called: TOENAIL DYSTROPHY, ISOLATED. Identifiers: MedGen C1843761, MONDO:0011852, OMIM 607523.
Recessive dystrophic epidermolysis bullosa (RDEB). Also called: DYSTROPHIC EPIDERMOLYSIS BULLOSA, AUTOSOMAL RECESSIVE; EPIDERMOLYSIS BULLOSA DYSTROPHICA, HALLOPEAU-SIEMENS TYPE; Hallopeau-Siemens Disease; epidermolysis bullosa dystrophica, autosomal recessive; Recessive DEB (RDEB); severe generalized recessive dystrophic epidermolysis bullosa. Identifiers: Orphanet 79408, Orphanet 79409, MedGen C0079474, MONDO:0009179, OMIM 226600.
Transient bullous dermolysis of the newborn (TBDN). Also called: DYSTROPHIC EPIDERMOLYSIS BULLOSA, NEONATAL; EPIDERMOLYSIS BULLOSA DYSTROPHICA, NEONATAL FORM. Identifiers: Orphanet 79411, MedGen C1851573, MONDO:0007548, OMIM 131705.
Pretibial dystrophic epidermolysis bullosa. Also called: EPIDERMOLYSIS BULLOSA DYSTROPHICA, PRETIBIAL; Pretibial blistering; Pretibial epidermolysis bullosa. Identifiers: Orphanet 79410, MedGen C0432321, MONDO:0007552, OMIM 131850, HP:0012221.
Dominant dystrophic epidermolysis bullosa with absence of skin. Also called: EPIDERMOLYSIS BULLOSA WITH CONGENITAL LOCALIZED ABSENCE OF SKIN AND DEFORMITY OF NAILS; EPIDERMOLYSIS BULLOSA DYSTROPHICA, BART TYPE. Identifiers: MedGen C0268371, MONDO:0007557, OMIM 132000.
Epidermolysis bullosa pruriginosa. Also called: DEB, PRURIGINOSA; DYSTROPHIC EPIDERMOLYSIS BULLOSA PRURIGINOSA. Identifiers: Orphanet 89843, MedGen C1275114, MONDO:0011398, OMIM 604129.

Submissions (2):

Center for Research in Genodermatoses and Epidermolysis Bullosa, University of Buenos Aires
Classification: Pathogenic for Generalized dominant dystrophic epidermolysis bullosa. Last evaluated: 2022-03-14. Review status: criteria provided, single submitter. Criteria: ACMG Guidelines, 2015. Collection method: clinical testing. Allele origin: germline. Affected: yes. Observed: 1 variant allele, 1 heterozygote.

Juno Genomics, Hangzhou Juno Genomics, Inc
Classification: Likely pathogenic for Recessive dystrophic epidermolysis bullosa; Generalized dominant dystrophic epidermolysis bullosa; Dominant dystrophic epidermolysis bullosa with absence of skin; Epidermolysis bullosa pruriginosa; Pretibial dystrophic epidermolysis bullosa; Nonsyndromic congenital nail disorder 8; Transient bullous dermolysis of the newborn. Review status: criteria provided, single submitter. Criteria: ACMG Guidelines, 2015. Collection method: clinical testing. Allele origin: germline. Affected: yes.
Comment: Absent from controls (or at extremely low frequency if recessive) in Genome Aggregation Database.;Missense variant in a gene that has a low rate of benign missense variation.;Multiple lines of computational evidence support a deleterious effect on the gene or gene product.;Located in a mutational hot spot and/or critical and well-established functional domain without benign variation.;The prevalence of the variant in affected individuals is significantly increased compared to the prevalence in controls.

Literature cited by the submitters: PubMed 35979658 (cited by Center for Research in Genodermatoses and Epidermolysis Bullosa, University of Buenos Aires); PubMed 19197535 (cited by Center for Research in Genodermatoses and Epidermolysis Bullosa, University of Buenos Aires).